The following is an entry in ClinVar:

ClinVar aggregate classification (germline): Uncertain significance (1 of 4 stars; one submission).

Conditions:
Kabuki syndrome. Also called: Kabuki make-up syndrome; NIIKAWA-KUROKI SYNDROME. Identifiers: Orphanet 2322, MedGen C0796004, MONDO:0016512.

Submission:

Labcorp Genetics (formerly Invitae), Labcorp
Classification: Uncertain significance for Kabuki syndrome. Last evaluated: 2023-11-27. Review status: criteria provided, single submitter. Criteria: Invitae Variant Classification Sherloc (09022015). Collection method: clinical testing. Allele origin: germline.
Comment: This sequence change affects codon 5261 of the KMT2D mRNA. It is a 'silent' change, meaning that it does not change the encoded amino acid sequence of the KMT2D protein. It affects a nucleotide within the consensus splice site. This variant is not present in population databases (gnomAD no frequency). This variant has not been reported in the literature in individuals affected with KMT2D-related conditions. Algorithms developed to predict the effect of sequence changes on RNA splicing suggest that this variant is not likely to affect RNA splicing. In summary, the available evidence is currently insufficient to determine the role of this variant in disease. Therefore, it has been classified as a Variant of Uncertain Significance.

NM_003482.4(KMT2D):c.15783G>A (p.Gln5261=)

Gene: KMT2D (lysine methyltransferase 2D; minus strand). Cytogenetic location: 12q13.12.
Variant type: single nucleotide variant.
Coding change: c.15783G>A on transcript NM_003482.4 (MANE Select); coding-DNA position 15783, G replaced by A.
Protein change: p.Gln5261=; no amino-acid change (glutamine 5261 retained).
Molecular consequence: synonymous variant.
Genome position (GRCh38, 1-based): chr12:49,026,183, C>T on the plus strand (G>A on the coding strand, the complement: KMT2D is on the minus strand). VCF-style: chr12-49026183-C-T. GRCh37 (hg19) VCF-style: chr12-49419966-C-T.
Identifiers: ClinVar variation 2741782 (VCV002741782.3), dbSNP rs2137714615, ClinGen allele CA479522584.
Genomic context (GRCh38, chr12:49,026,183, plus strand): 5'-TGACCCTGGGAGAAACTTTTCCCATTCCATATTATCCATTTCAAGGGCCCACTGCTCACC[C>T]TGGGGAGAGGCGTCAGTGAAGACCAGGTCCTCCAGGCCCTGCTCGATGACTTTGATTACA-3'
Protein context (NP_003473.3, residues 5251-5271): EDLVFTDASP[Gln5261=]AVWNRIIEPV